The following is an entry in ClinVar:

NM_033305.3(VPS13A):c.6027C>T (p.Tyr2009=)

Gene: VPS13A (vacuolar protein sorting 13 homolog A; plus strand). Cytogenetic location: 9q21.2.
Variant type: single nucleotide variant.
Coding change: c.6027C>T on transcript NM_033305.3 (MANE Select); coding-DNA position 6027, C replaced by T.
Protein change: p.Tyr2009=; no amino-acid change (tyrosine 2009 retained).
Molecular consequence: synonymous variant.
Genome position (GRCh38, 1-based): chr9:77,332,045, C>T. VCF-style: chr9-77332045-C-T. GRCh37 (hg19) VCF-style: chr9-79946961-C-T.
Other names: p.Tyr2009=; c.5910C>T, p.Tyr1970= (NM_001018037.2); c.6027C>T, p.Tyr2009= (NM_001018038.3, NM_015186.4).
Identifiers: ClinVar variation 367396 (VCV000367396.24), dbSNP rs17424026, ClinGen allele CA5092922.

ClinVar aggregate classification (germline): Benign. Review status: criteria provided, multiple submitters, no conflicts (2 of 4 stars). 8 submissions from 8 submitters: Benign (7). 1 of the submissions does not count toward it. Last evaluated 2026-02-04.

Conditions:
VPS13A-related neurodegenerative disease. Also called: LEVINE-CRITCHLEY SYNDROME; Chorea-acanthocytosis; ACANTHOCYTOSIS WITH NEUROLOGIC DISORDER; Choreoacanthocytosis; Choreaacanthocytosis; VPS13A Disease. Identifiers: Orphanet 2388, MedGen C0393576, MONDO:0008695, OMIM 200150.

Allele frequency attached by ClinVar (database versions not stated): 1000 Genomes Project 30x 0.06715; 1000 Genomes Project 0.06889; gnomAD 0.07721 and 0.07739; TOPMed 0.07745; ESP Exome Variant Server 0.07867; gnomAD exomes 0.08493 and 0.08901; ExAC 0.08719.
gnomAD v4.1: 141,722 of 1,609,004 alleles (8.8%); highest among the groups gnomAD compares: East Asian, 13%; 6,715 homozygotes.

Submissions (8):

Labcorp Genetics (formerly Invitae), Labcorp
Classification: Benign. Last evaluated: 2026-02-04. Review status: criteria provided, single submitter. Criteria: Invitae Variant Classification Sherloc (09022015). Collection method: clinical testing. Allele origin: germline.

Blueprint Genetics
Classification: Benign. Last evaluated: 2024-11-27. Review status: criteria provided, single submitter. Criteria: ACMG Guidelines, 2015. Collection method: clinical testing. Allele origin: germline.

Mayo Clinic Laboratories, Mayo Clinic
Classification: Benign. Last evaluated: 2022-03-23. Review status: criteria provided, single submitter. Criteria: ACMG Guidelines, 2015. Collection method: clinical testing. Allele origin: germline. Observed: 109 variant alleles.

Genome-Nilou Lab
Classification: Benign for VPS13A-related neurodegenerative disease. Last evaluated: 2021-07-10. Review status: criteria provided, single submitter. Criteria: ACMG Guidelines, 2015. Collection method: clinical testing. Allele origin: germline. Affected: no.

GeneDx
Classification: Benign. Last evaluated: 2018-08-14. Review status: criteria provided, single submitter. Criteria: GeneDx Variant Classification Process June 2021. Collection method: clinical testing. Allele origin: germline. Affected: yes.

Illumina Laboratory Services, Illumina
Classification: Benign for VPS13A-related neurodegenerative disease. Last evaluated: 2018-01-12. Review status: criteria provided, single submitter. Criteria: ICSL Variant Classification Criteria 13 December 2019. Collection method: clinical testing. Allele origin: germline.
Comment: This variant was observed in the ICSL laboratory as part of a predisposition screen in an ostensibly healthy population. It had not been previously curated by ICSL or reported in the Human Gene Mutation Database (HGMD: prior to June 1st, 2018), and was therefore a candidate for classification through an automated scoring system. Utilizing variant allele frequency, disease prevalence and penetrance estimates, and inheritance mode, an automated score was calculated to assess if this variant is too frequent to cause the disease. Based on the score and internal cut-off values, a variant classified as benign is not then subjected to further curation. The score for this variant resulted in a classification of benign for this disease.

Breakthrough Genomics
Classification: Benign. Review status: criteria provided, single submitter. Criteria: ACMG Guidelines, 2015. Collection method: not provided. Allele origin: germline. Inheritance: Autosomal recessive inheritance. Affected: yes.

Natera, Inc.
Classification: Benign for Choreaacanthocytosis. Last evaluated: 2019-11-21. Review status: no assertion criteria provided. Collection method: clinical testing. Allele origin: germline. Not counted in ClinVar's aggregate classification.